The following is an entry in ClinVar:

ClinVar aggregate classification (germline): Uncertain significance (1 of 4 stars; one submission).

Conditions:
Propionic acidemia (PROP). Also called: GLYCINEMIA, KETOTIC; HYPERGLYCINEMIA WITH KETOACIDOSIS AND LEUKOPENIA; KETOTIC HYPERGLYCINEMIA. Identifiers: Orphanet 35, MedGen C0268579, MONDO:0011628, OMIM 606054, HP:0003571.

Allele frequency attached by ClinVar (database versions not stated): gnomAD exomes below 0.00001; TOPMed below 0.00001; gnomAD 0.00001.
gnomAD v4.1: 2 of 1,605,792 alleles (0.00012%); highest among the groups gnomAD compares: Non-Finnish European, 0.00017%; no homozygotes.

Submission:

Labcorp Genetics (formerly Invitae), Labcorp
Classification: Uncertain significance for Propionic acidemia. Last evaluated: 2023-04-15. Review status: criteria provided, single submitter. Criteria: Invitae Variant Classification Sherloc (09022015). Collection method: clinical testing. Allele origin: germline.
Comment: This variant has not been reported in the literature in individuals affected with PCCA-related conditions. This variant is not present in population databases (gnomAD no frequency). This sequence change replaces asparagine, which is neutral and polar, with tyrosine, which is neutral and polar, at codon 523 of the PCCA protein (p.Asn523Tyr). ClinVar contains an entry for this variant (Variation ID: 1931011). In summary, the available evidence is currently insufficient to determine the role of this variant in disease. Therefore, it has been classified as a Variant of Uncertain Significance. Algorithms developed to predict the effect of sequence changes on RNA splicing suggest that this variant may disrupt the consensus splice site. Advanced modeling of protein sequence and biophysical properties (such as structural, functional, and spatial information, amino acid conservation, physicochemical variation, residue mobility, and thermodynamic stability) performed at Invitae indicates that this missense variant is not expected to disrupt PCCA protein function.

NM_000282.4(PCCA):c.1567A>T (p.Asn523Tyr)

Gene: PCCA (propionyl-CoA carboxylase subunit alpha; plus strand). Cytogenetic location: 13q32.3.
Variant type: single nucleotide variant.
Coding change: c.1567A>T on transcript NM_000282.4 (MANE Select); coding-DNA position 1567, A replaced by T.
Protein change: p.Asn523Tyr; replaces asparagine 523 with tyrosine.
Molecular consequence: missense variant. On other transcripts: non-coding transcript variant (5).
Genome position (GRCh38, 1-based): chr13:100,340,183, A>T. VCF-style: chr13-100340183-A-T. GRCh37 (hg19) VCF-style: chr13-100992437-A-T.
Other names: c.1489A>T, p.Asn497Tyr (NM_001127692.3, NM_001352607.2); c.1567A>T, p.Asn523Tyr (NM_001178004.2, NM_001352605.2, NM_001352609.2); c.1423A>T, p.Asn475Tyr (NM_001352606.2); c.1345A>T, p.Asn449Tyr (NM_001352608.2); c.622A>T, p.Asn208Tyr (NM_001352610.2, NM_001352611.2); c.478A>T, p.Asn160Tyr (NM_001352612.2); short protein forms N160Y, N475Y, N523Y, N208Y, N449Y, N497Y.
Identifiers: ClinVar variation 1931011 (VCV001931011.5), dbSNP rs1387564190, ClinGen allele CA388696353.